The following is an entry in ClinVar:

ClinVar aggregate classification (germline): Likely benign (1 of 4 stars; one submission).

Allele frequency attached by ClinVar (database versions not stated): gnomAD exomes below 0.00001.

Submission:

CeGaT Center for Human Genetics Tuebingen
Classification: Likely benign. Last evaluated: 2022-12-01. Review status: criteria provided, single submitter. Criteria: CeGaT Center For Human Genetics Tuebingen Variant Classification Criteria Version 2. Collection method: clinical testing. Allele origin: germline. Affected: yes. Observed: 1 variant allele.
Comment: CYP2D6: BP4, BP7

NM_000106.6(CYP2D6):c.1332C>T (p.Leu444=)

Gene: CYP2D6 (cytochrome P450 family 2 subfamily D member 6 (gene/pseudogene); minus strand). Cytogenetic location: 22q13.2.
Variant type: single nucleotide variant.
Coding change: c.1332C>T on transcript NM_000106.6 (MANE Select); coding-DNA position 1332, C replaced by T.
Protein change: p.Leu444=; no amino-acid change (leucine 444 retained).
Molecular consequence: synonymous variant.
Genome position (GRCh38, 1-based): chr22:42,126,736, G>A on the plus strand (C>T on the coding strand, the complement: CYP2D6 is on the minus strand). VCF-style: chr22-42126736-G-A. GRCh37 (hg19) VCF-style: chr22-42522738-G-A.
Other names: c.1179C>T, p.Leu393= (NM_001025161.3).
Identifiers: ClinVar variation 2653236 (VCV002653236.24), dbSNP rs1403857819, ClinGen allele CA514800595.